The following is an entry in ClinVar:

ClinVar aggregate classification (germline): Likely benign. Review status: criteria provided, multiple submitters, no conflicts (2 of 4 stars). 4 submissions from 4 submitters: Likely benign (4). Last evaluated 2026-03-12.

Conditions:
Autosomal recessive limb-girdle muscular dystrophy type R18 (LGMDR18). Also called: Limb-girdle muscular dystrophy, type 2S; MUSCULAR DYSTROPHY, LIMB-GIRDLE, AUTOSOMAL RECESSIVE 18; Autosomal recessive limb-girdle muscular dystrophy type 2S. Identifiers: Orphanet 369840, MedGen C4517996, MONDO:0014144, OMIM 615356.
TRAPPC11-related disorder. Also called: TRAPPC11-related condition.

Allele frequency attached by ClinVar (database versions not stated): ExAC 0.00007; gnomAD exomes 0.00010 and 0.00020; TOPMed 0.00012; gnomAD 0.00014; ESP Exome Variant Server 0.00031.
gnomAD v4.1: 305 of 1,598,422 alleles (0.019%); highest among the groups gnomAD compares: Non-Finnish European, 0.025%; no homozygotes.

Submissions (4):

PreventionGenetics, part of Exact Sciences
Classification: Likely benign for TRAPPC11-related condition. Last evaluated: 2026-03-12. Review status: criteria provided, single submitter. Criteria: ACMG Guidelines, 2015. Collection method: clinical testing. Allele origin: germline.
Comment: This variant is classified as likely benign based on ACMG/AMP sequence variant interpretation guidelines (Richards et al. 2015 PMID: 25741868, with internal and published modifications).

Women's Health and Genetics/Laboratory Corporation of America, LabCorp
Classification: Likely benign. Last evaluated: 2026-03-11. Review status: criteria provided, single submitter. Criteria: LabCorp Variant Classification Summary - May 2015. Collection method: clinical testing. Allele origin: germline.

Labcorp Genetics (formerly Invitae), Labcorp
Classification: Likely benign for Autosomal recessive limb-girdle muscular dystrophy type R18. Last evaluated: 2025-12-24. Review status: criteria provided, single submitter. Criteria: Invitae Variant Classification Sherloc (09022015). Collection method: clinical testing. Allele origin: germline.

GeneDx
Classification: Likely benign. Last evaluated: 2018-10-12. Review status: criteria provided, single submitter. Criteria: GeneDx Variant Classification Process June 2021. Collection method: clinical testing. Allele origin: germline. Affected: yes.

NM_021942.6(TRAPPC11):c.2637T>G (p.Thr879=)

Gene: TRAPPC11 (trafficking protein particle complex subunit 11; plus strand). Cytogenetic location: 4q35.1.
Variant type: single nucleotide variant.
Coding change: c.2637T>G on transcript NM_021942.6 (MANE Select); coding-DNA position 2637, T replaced by G.
Protein change: p.Thr879=; no amino-acid change (threonine 879 retained).
Molecular consequence: synonymous variant.
Genome position (GRCh38, 1-based): chr4:183,697,511, T>G. VCF-style: chr4-183697511-T-G. GRCh37 (hg19) VCF-style: chr4-184618664-T-G.
Other names: c.2637T>G, p.Thr879= (NM_199053.3).
Identifiers: ClinVar variation 950931 (VCV000950931.14), dbSNP rs148799732, ClinGen allele CA3152262.